The following is an entry in ClinVar:

ClinVar aggregate classification (germline): Uncertain significance (1 of 4 stars; one submission).

Conditions:
Idiopathic generalized epilepsy. Also called: Generalised epilepsy; EIG. Identifiers: MedGen C0270850, MONDO:0005579, OMIM 600669.
Hyperaldosteronism, familial, type IV (HALD4). Also called: FH IV; ALDOSTERONISM, PRIMARY, AND HYPERTENSION. Identifiers: Orphanet 642671, MedGen C4310756, MONDO:0014875, OMIM 617027.

gnomAD v4.1: 5 of 1,598,376 alleles (0.00031%); highest among the groups gnomAD compares: South Asian, 0.0023%; no homozygotes.

Submission:

Labcorp Genetics (formerly Invitae), Labcorp
Classification: Uncertain significance for Idiopathic generalized epilepsy; Hyperaldosteronism, familial, type IV. Last evaluated: 2025-03-03. Review status: criteria provided, single submitter. Criteria: Invitae Variant Classification Sherloc (09022015). Collection method: clinical testing. Allele origin: germline.
Comment: This sequence change falls in intron 31 of the CACNA1H gene. It does not directly change the encoded amino acid sequence of the CACNA1H protein. The frequency data for this variant in the population databases is considered unreliable, as metrics indicate poor data quality at this position in the gnomAD database. This variant has not been reported in the literature in individuals affected with CACNA1H-related conditions. Algorithms developed to predict the effect of sequence changes on RNA splicing suggest that this variant may create or strengthen a splice site. In summary, the available evidence is currently insufficient to determine the role of this variant in disease. Therefore, it has been classified as a Variant of Uncertain Significance.

NM_021098.3(CACNA1H):c.5324-5C>A

Gene: CACNA1H (calcium voltage-gated channel subunit alpha1 H; plus strand). Cytogenetic location: 16p13.3.
Variant type: single nucleotide variant.
Coding change: c.5324-5C>A on transcript NM_021098.3 (MANE Select); 5 bases into the intron before coding-DNA position 5324, C replaced by A.
Molecular consequence: intron variant.
Genome position (GRCh38, 1-based): chr16:1,217,914, C>A. VCF-style: chr16-1217914-C-A. GRCh37 (hg19) VCF-style: chr16-1267914-C-A.
Other names: c.5306-5C>A (NM_001005407.2).
Identifiers: ClinVar variation 3753239 (VCV003753239.2).